The following is an entry in ClinVar:

NM_014714.4(IFT140):c.4190G>A (p.Arg1397Lys)

Gene: IFT140 (intraflagellar transport 140; minus strand). Cytogenetic location: 16p13.3.
Variant type: single nucleotide variant.
Coding change: c.4190G>A on transcript NM_014714.4 (MANE Select); coding-DNA position 4190, G replaced by A.
Protein change: p.Arg1397Lys; replaces arginine 1397 with lysine.
Molecular consequence: missense variant.
Genome position (GRCh38, 1-based): chr16:1,511,143, C>T on the plus strand (G>A on the coding strand, the complement: IFT140 is on the minus strand). VCF-style: chr16-1511143-C-T. GRCh37 (hg19) VCF-style: chr16-1561144-C-T.
Other names: c.4190G>A (NM_014714.3); short protein forms R1397K.
Identifiers: ClinVar variation 1966337 (VCV001966337.6), dbSNP rs770636131, ClinGen allele CA7812833.

ClinVar aggregate classification (germline): Conflicting classifications of pathogenicity. Review status: criteria provided, conflicting classifications (1 of 4 stars). 2 submissions from 2 submitters: Uncertain significance (1); Likely benign (1). Last evaluated 2024-10-01.

Conditions:
Saldino-Mainzer syndrome (SRTD9). Also called: Renal dysplasia, retinal pigmentary dystrophy, cerebellar ataxia and skeletal dysplasia; CONORENAL SYNDROME; short-rib thoracic dysplasia 9 with or without polydactyly; SHORT-RIB THORACIC DYSPLASIA 9 WITHOUT POLYDACTYLY. Identifiers: Orphanet 140969, MedGen C1849437, MONDO:0009964, OMIM 266920.
Inborn genetic diseases. Identifiers: MedGen C0950123, MeSH D030342.

Allele frequency attached by ClinVar (database versions not stated): ExAC 0.00003.
gnomAD v4.1: 8 of 1,605,550 alleles (0.0005%); highest among the groups gnomAD compares: South Asian, 0.0078%; 1 homozygote.

Submissions (2):

Ambry Genetics
Classification: Likely benign for Inborn genetic diseases. Last evaluated: 2024-10-01. Review status: criteria provided, single submitter. Criteria: Ambry Variant Classification Scheme 2023. Collection method: clinical testing. Allele origin: germline.

Labcorp Genetics (formerly Invitae), Labcorp
Classification: Uncertain significance for Saldino-Mainzer syndrome. Last evaluated: 2022-02-27. Review status: criteria provided, single submitter. Criteria: Invitae Variant Classification Sherloc (09022015). Collection method: clinical testing. Allele origin: germline.
Comment: This variant is present in population databases (rs770636131, gnomAD 0.007%). In summary, the available evidence is currently insufficient to determine the role of this variant in disease. Therefore, it has been classified as a Variant of Uncertain Significance. Algorithms developed to predict the effect of sequence changes on RNA splicing suggest that this variant may disrupt the consensus splice site. Algorithms developed to predict the effect of missense changes on protein structure and function output the following: SIFT: "Tolerated"; PolyPhen-2: "Benign"; Align-GVGD: "Class C0". The lysine amino acid residue is found in multiple mammalian species, which suggests that this missense change does not adversely affect protein function. This variant has not been reported in the literature in individuals affected with IFT140-related conditions. This sequence change replaces arginine, which is basic and polar, with lysine, which is basic and polar, at codon 1397 of the IFT140 protein (p.Arg1397Lys).